The following is an entry in ClinVar:

NM_152383.5(DIS3L2):c.1970G>A (p.Arg657His)

Gene: DIS3L2 (DIS3 like 3'-5' exoribonuclease 2; plus strand). Cytogenetic location: 2q37.1.
Variant type: single nucleotide variant.
Coding change: c.1970G>A on transcript NM_152383.5 (MANE Select); coding-DNA position 1970, G replaced by A.
Protein change: p.Arg657His; replaces arginine 657 with histidine.
Molecular consequence: missense variant. On other transcripts: non-coding transcript variant (2), intron variant (1).
Genome position (GRCh38, 1-based): chr2:232,330,736, G>A. VCF-style: chr2-232330736-G-A. GRCh37 (hg19) VCF-style: chr2-233195446-G-A.
Other names: c.1582-12609G>A (NM_001257281.2); short protein forms R657H.
Identifiers: ClinVar variation 841645 (VCV000841645.15), dbSNP rs757443947, ClinGen allele CA2164339.

ClinVar aggregate classification (germline): Uncertain significance. Review status: criteria provided, multiple submitters, no conflicts (2 of 4 stars). 4 submissions from 4 submitters: Uncertain significance (3). 1 of the submissions does not count toward it. Last evaluated 2025-04-02.

Conditions:
DIS3L2-related disorder. Also called: DIS3L2-related condition.
Perlman syndrome (PRLMNS). Identifiers: Orphanet 2849, MedGen C0796113, MONDO:0009965, OMIM 267000.

Allele frequency attached by ClinVar (database versions not stated): gnomAD exomes 0.00002; gnomAD 0.00003 and 0.00004; TOPMed 0.00003.
gnomAD v4.1: 40 of 1,613,300 alleles (0.0025%); highest among the groups gnomAD compares: Admixed American, 0.0067%; no homozygotes.

Submissions (4):

Labcorp Genetics (formerly Invitae), Labcorp
Classification: Uncertain significance for Perlman syndrome. Last evaluated: 2025-04-02. Review status: criteria provided, single submitter. Criteria: Invitae Variant Classification Sherloc (09022015). Collection method: clinical testing. Allele origin: germline.
Comment: This sequence change replaces arginine, which is basic and polar, with histidine, which is basic and polar, at codon 657 of the DIS3L2 protein (p.Arg657His). This variant is present in population databases (rs757443947, gnomAD 0.01%). This variant has not been reported in the literature in individuals affected with DIS3L2-related conditions. ClinVar contains an entry for this variant (Variation ID: 841645). Invitae Evidence Modeling of protein sequence and biophysical properties (such as structural, functional, and spatial information, amino acid conservation, physicochemical variation, residue mobility, and thermodynamic stability) indicates that this missense variant is not expected to disrupt DIS3L2 protein function with a negative predictive value of 80%. In summary, the available evidence is currently insufficient to determine the role of this variant in disease. Therefore, it has been classified as a Variant of Uncertain Significance.

Fulgent Genetics
Classification: Uncertain significance for Perlman syndrome. Last evaluated: 2024-02-29. Review status: criteria provided, single submitter. Criteria: ACMG Guidelines, 2015. Collection method: clinical testing. Allele origin: germline.

Illumina Laboratory Services, Illumina
Classification: Uncertain significance for Perlman syndrome. Last evaluated: 2018-01-13. Review status: criteria provided, single submitter. Criteria: ICSL Variant Classification Criteria 13 December 2019. Collection method: clinical testing. Allele origin: germline.

PreventionGenetics, part of Exact Sciences
Classification: Uncertain significance for DIS3L2-related condition. Last evaluated: 2024-07-10. Review status: no assertion criteria provided. Collection method: clinical testing. Allele origin: germline. Not counted in ClinVar's aggregate classification.
Comment: The DIS3L2 c.1970G>A variant is predicted to result in the amino acid substitution p.Arg657His. To our knowledge, this variant has not been reported in the literature. This variant is reported in 0.012% of alleles in individuals of African descent in gnomAD and is interpreted as uncertain in ClinVar. At this time, the clinical significance of this variant is uncertain due to the absence of conclusive functional and genetic evidence.